The following is an entry in ClinVar:

NM_001379081.2(FREM1):c.2073C>T (p.Ser691=)

Gene: FREM1 (FRAS1 related extracellular matrix 1; minus strand). Cytogenetic location: 9p22.3.
Variant type: single nucleotide variant.
Coding change: c.2073C>T on transcript NM_001379081.2 (MANE Select); coding-DNA position 2073, C replaced by T.
Protein change: p.Ser691=; no amino-acid change (serine 691 retained).
Molecular consequence: synonymous variant. On other transcripts: non-coding transcript variant (2).
Genome position (GRCh38, 1-based): chr9:14,824,801, G>A on the plus strand (C>T on the coding strand, the complement: FREM1 is on the minus strand). VCF-style: chr9-14824801-G-A. GRCh37 (hg19) VCF-style: chr9-14824799-G-A.
Other names: p.Ser691=; c.2073C>T, p.Ser691= (NM_144966.7).
Identifiers: ClinVar variation 366154 (VCV000366154.18), dbSNP rs12236053, ClinGen allele CA4991057.
Genomic context (GRCh38, chr9:14,824,801, plus strand): 5'-ACTTTCAACTTTGCAATCCTAGAACTAGTAGCCCAAATGGTGACTTTTCAGATACCTGTG[G>A]CTGAAGGAGAAAAATGGAGGAGTAGTTATTGTGTAGACCAGCTCCCTGTCATATGATTCT-3'
Protein context (NP_001366010.1, residues 681-701): TITTPPFFSF[Ser691=]HRHLDAGKLF

ClinVar aggregate classification (germline): Benign. Review status: criteria provided, multiple submitters, no conflicts (2 of 4 stars). 6 submissions from 6 submitters: Benign (6). Last evaluated 2026-02-04.

Conditions:
Oculotrichoanal syndrome (MOTA). Also called: MARLES SYNDROME; Manitoba Oculotrichoanal (MOTA) Syndrome. Identifiers: Orphanet 2717, MedGen C1855425, MONDO:0009560, OMIM 248450.

Allele frequency attached by ClinVar (database versions not stated): gnomAD exomes 0.12110 and 0.12568; gnomAD 0.13982 and 0.13992; ESP Exome Variant Server 0.14016; TOPMed 0.14038; 1000 Genomes Project 0.15196; 1000 Genomes Project 30x 0.15443; ExAC 0.16877.
gnomAD v4.1: 204,072 of 1,607,006 alleles (13%); highest among the groups gnomAD compares: African/African-American, 20%; 13,441 homozygotes.

Submissions (6):

Labcorp Genetics (formerly Invitae), Labcorp
Classification: Benign. Last evaluated: 2026-02-04. Review status: criteria provided, single submitter. Criteria: Invitae Variant Classification Sherloc (09022015). Collection method: clinical testing. Allele origin: germline.

Blueprint Genetics
Classification: Benign. Last evaluated: 2024-11-27. Review status: criteria provided, single submitter. Criteria: ACMG Guidelines, 2015. Collection method: clinical testing. Allele origin: germline.

Mayo Clinic Laboratories, Mayo Clinic
Classification: Benign. Last evaluated: 2023-04-03. Review status: criteria provided, single submitter. Criteria: ACMG Guidelines, 2015. Collection method: clinical testing. Allele origin: germline. Observed: 14 variant alleles.

GeneDx
Classification: Benign. Last evaluated: 2021-05-04. Review status: criteria provided, single submitter. Criteria: GeneDx Variant Classification Process June 2021. Collection method: clinical testing. Allele origin: germline. Affected: yes.

Illumina Laboratory Services, Illumina
Classification: Benign for Oculotrichoanal syndrome. Last evaluated: 2018-01-12. Review status: criteria provided, single submitter. Criteria: ICSL Variant Classification Criteria 13 December 2019. Collection method: clinical testing. Allele origin: germline.
Comment: This variant was observed in the ICSL laboratory as part of a predisposition screen in an ostensibly healthy population. It had not been previously curated by ICSL or reported in the Human Gene Mutation Database (HGMD: prior to June 1st, 2018), and was therefore a candidate for classification through an automated scoring system. Utilizing variant allele frequency, disease prevalence and penetrance estimates, and inheritance mode, an automated score was calculated to assess if this variant is too frequent to cause the disease. Based on the score and internal cut-off values, a variant classified as benign is not then subjected to further curation. The score for this variant resulted in a classification of benign for this disease.

Breakthrough Genomics
Classification: Benign. Review status: criteria provided, single submitter. Criteria: ACMG Guidelines, 2015. Collection method: not provided. Allele origin: germline. Inheritance: Autosomal recessive inheritance. Affected: yes.